The following is an entry in ClinVar:

ClinVar aggregate classification (germline): Benign (1 of 4 stars; one submission).

Conditions:
Doyne honeycomb retinal dystrophy (DHRD). Also called: DOYNE HONEYCOMB DEGENERATION OF RETINA; MALATTIA LEVENTINESE; DRUSEN, RADIAL, AUTOSOMAL DOMINANT. Identifiers: Orphanet 75376, MedGen C1832174, MONDO:0007471, OMIM 126600.

Allele frequency attached by ClinVar (database versions not stated): gnomAD exomes 0.00046; gnomAD 0.00146 and 0.00151; TOPMed 0.00175; 1000 Genomes Project 0.00319; 1000 Genomes Project 30x 0.00359.
gnomAD v4.1: 224 of 156,724 alleles (0.14%); highest among the groups gnomAD compares: African/African-American, 0.49%; no homozygotes.

Submission:

Illumina Laboratory Services, Illumina
Classification: Benign for Doyne honeycomb retinal dystrophy. Last evaluated: 2018-01-12. Review status: criteria provided, single submitter. Criteria: ICSL Variant Classification Criteria 13 December 2019. Collection method: clinical testing. Allele origin: germline.
Comment: This variant was observed in the ICSL laboratory as part of a predisposition screen in an ostensibly healthy population. It had not been previously curated by ICSL or reported in the Human Gene Mutation Database (HGMD: prior to June 1st, 2018), and was therefore a candidate for classification through an automated scoring system. Utilizing variant allele frequency, disease prevalence and penetrance estimates, and inheritance mode, an automated score was calculated to assess if this variant is too frequent to cause the disease. Based on the score and internal cut-off values, a variant classified as benign is not then subjected to further curation. The score for this variant resulted in a classification of benign for this disease.

NM_001039348.3(EFEMP1):c.*507C>T

Gene: EFEMP1 (EGF-like fibulin extracellular matrix protein 1; minus strand). Cytogenetic location: 2p16.1.
Variant type: single nucleotide variant.
Coding change: c.*507C>T on transcript NM_001039348.3 (MANE Select); 507 bases downstream of the stop codon, C replaced by T.
Molecular consequence: 3 prime UTR variant.
Genome position (GRCh38, 1-based): chr2:55,866,566, G>A on the plus strand (C>T on the coding strand, the complement: EFEMP1 is on the minus strand). VCF-style: chr2-55866566-G-A. GRCh37 (hg19) VCF-style: chr2-56093701-G-A.
Other names: c.*507C>T (NM_001039349.3).
Identifiers: ClinVar variation 898222 (VCV000898222.4), dbSNP rs188698134, ClinGen allele CA48122777.